The following is an entry in ClinVar:

ClinVar aggregate classification (germline): Uncertain significance (1 of 4 stars; one submission).

gnomAD v4.1: 1 of 1,613,946 alleles (0.000062%); highest among the groups gnomAD compares: Admixed American, 0.0017%; no homozygotes.

Submission:

Labcorp Genetics (formerly Invitae), Labcorp
Classification: Uncertain significance. Last evaluated: 2024-06-19. Review status: criteria provided, single submitter. Criteria: Invitae Variant Classification Sherloc (09022015). Collection method: clinical testing. Allele origin: germline.
Comment: This sequence change replaces glutamic acid, which is acidic and polar, with alanine, which is neutral and non-polar, at codon 46 of the ZNF408 protein (p.Glu46Ala). This variant is present in population databases (rs777650151, gnomAD 0.003%). This variant has not been reported in the literature in individuals affected with ZNF408-related conditions. Algorithms developed to predict the effect of missense changes on protein structure and function output the following: SIFT: "Not Available"; PolyPhen-2: "Benign"; Align-GVGD: "Not Available". The alanine amino acid residue is found in multiple mammalian species, which suggests that this missense change does not adversely affect protein function. In summary, the available evidence is currently insufficient to determine the role of this variant in disease. Therefore, it has been classified as a Variant of Uncertain Significance.

NM_024741.3(ZNF408):c.137A>C (p.Glu46Ala)

Gene: ZNF408 (zinc finger protein 408; plus strand). Cytogenetic location: 11p11.2.
Variant type: single nucleotide variant.
Coding change: c.137A>C on transcript NM_024741.3 (MANE Select); coding-DNA position 137, A replaced by C.
Protein change: p.Glu46Ala; replaces glutamic acid 46 with alanine.
Molecular consequence: missense variant.
Genome position (GRCh38, 1-based): chr11:46,701,483, A>C. VCF-style: chr11-46701483-A-C. GRCh37 (hg19) VCF-style: chr11-46723033-A-C.
Other names: c.113A>C, p.Glu38Ala (NM_001184751.2); short protein forms E46A, E38A.
Identifiers: ClinVar variation 3674728 (VCV003674728.2).